The following is an entry in ClinVar:

ClinVar aggregate classification (germline): Uncertain significance. Review status: criteria provided, multiple submitters, no conflicts (2 of 4 stars). 2 submissions from 2 submitters: Uncertain significance (2). Last evaluated 2021-11-11.

Allele frequency attached by ClinVar (database versions not stated): ExAC below 0.00001; gnomAD 0.00003.
gnomAD v4.1: 20 of 1,443,998 alleles (0.0014%); highest among the groups gnomAD compares: Middle Eastern, 0.023%; no homozygotes.

Submissions (2):

Labcorp Genetics (formerly Invitae), Labcorp
Classification: Uncertain significance. Last evaluated: 2021-11-11. Review status: criteria provided, single submitter. Criteria: Invitae Variant Classification Sherloc (09022015). Collection method: clinical testing. Allele origin: germline.
Comment: This sequence change replaces arginine, which is basic and polar, with cysteine, which is neutral and slightly polar, at codon 960 of the CRB2 protein (p.Arg960Cys). The frequency data for this variant in the population databases is considered unreliable, as metrics indicate poor data quality at this position in the gnomAD database. This variant has not been reported in the literature in individuals affected with CRB2-related conditions. ClinVar contains an entry for this variant (Variation ID: 425461). Advanced modeling of protein sequence and biophysical properties (such as structural, functional, and spatial information, amino acid conservation, physicochemical variation, residue mobility, and thermodynamic stability) performed at Invitae indicates that this missense variant is not expected to disrupt CRB2 protein function. In summary, the available evidence is currently insufficient to determine the role of this variant in disease. Therefore, it has been classified as a Variant of Uncertain Significance.

CeGaT Center for Human Genetics Tuebingen
Classification: Uncertain significance. Last evaluated: 2016-10-01. Review status: criteria provided, single submitter. Criteria: CeGaT Center For Human Genetics Tuebingen Variant Classification Criteria Version 2. Collection method: clinical testing. Allele origin: germline. Affected: yes. Observed: 1 variant allele.

NM_173689.7(CRB2):c.2878C>T (p.Arg960Cys)

Gene: CRB2 (crumbs cell polarity complex component 2; plus strand). Cytogenetic location: 9q33.3.
Variant type: single nucleotide variant.
Coding change: c.2878C>T on transcript NM_173689.7 (MANE Select); coding-DNA position 2878, C replaced by T.
Protein change: p.Arg960Cys; replaces arginine 960 with cysteine.
Molecular consequence: missense variant. On other transcripts: non-coding transcript variant (1).
Genome position (GRCh38, 1-based): chr9:123,373,409, C>T. VCF-style: chr9-123373409-C-T. GRCh37 (hg19) VCF-style: chr9-126135688-C-T.
Other names: short protein forms R960C.
Identifiers: ClinVar variation 425461 (VCV000425461.45), dbSNP rs768010757, ClinGen allele CA5232303.